The following is an entry in ClinVar:

ClinVar aggregate classification (germline): Uncertain significance (1 of 4 stars; one submission).

Conditions:
Hereditary cancer-predisposing syndrome. Also called: Hereditary Cancer Syndrome; Tumor predisposition; Hereditary neoplastic syndrome; Neoplastic Syndromes, Hereditary. Identifiers: Orphanet 140162, MedGen C0027672, MeSH D009386, MONDO:0015356.

Submission:

Ambry Genetics
Classification: Uncertain significance for Hereditary cancer-predisposing syndrome. Last evaluated: 2024-03-29. Review status: criteria provided, single submitter. Criteria: Ambry Variant Classification Scheme 2023. Collection method: clinical testing. Allele origin: germline.
Comment: The p.S246P variant (also known as c.736T>C), located in coding exon 8 of the CDC73 gene, results from a T to C substitution at nucleotide position 736. The serine at codon 246 is replaced by proline, an amino acid with similar properties. This amino acid position is conserved. In addition, this alteration is predicted to be tolerated by in silico analysis. Based on the available evidence, the clinical significance of this alteration remains unclear.

NM_024529.5(CDC73):c.736T>C (p.Ser246Pro)

Gene: CDC73 (cell division cycle 73; plus strand). Cytogenetic location: 1q31.2.
Variant type: single nucleotide variant.
Coding change: c.736T>C on transcript NM_024529.5 (MANE Select); coding-DNA position 736, T replaced by C.
Protein change: p.Ser246Pro; replaces serine 246 with proline.
Molecular consequence: missense variant.
Genome position (GRCh38, 1-based): chr1:193,147,873, T>C. VCF-style: chr1-193147873-T-C. GRCh37 (hg19) VCF-style: chr1-193117003-T-C.
Other names: short protein forms S246P.
Identifiers: ClinVar variation 3265047 (VCV003265047.1).